The following is an entry in ClinVar:

ClinVar aggregate classification (germline): Uncertain significance. Review status: criteria provided, multiple submitters, no conflicts (2 of 4 stars). 5 submissions from 5 submitters: Uncertain significance (4). 1 of the submissions does not count toward it. Last evaluated 2022-04-01.

Conditions:
Familial dysautonomia. Also called: FD; HSAN III. Identifiers: Orphanet 1764, MedGen C0013364, MONDO:0009131, OMIM 223900. Disease mechanism: loss of function.
Medulloblastoma (MDB). Also called: MEDULLOBLASTOMA PREDISPOSITION SYNDROME; Medulloblastoma, somatic. Identifiers: Orphanet 616, MedGen C0025149, MeSH D008527, MONDO:0007959, OMIM 155255, HP:0002885.

Allele frequency attached by ClinVar (database versions not stated): TOPMed 0.00008; gnomAD exomes 0.00010; ExAC 0.00011; gnomAD 0.00014 and 0.00015.
gnomAD v4.1: 178 of 1,614,042 alleles (0.011%); highest among the groups gnomAD compares: East Asian, 0.1%; 1 homozygote.

Submissions (5):

CeGaT Center for Human Genetics Tuebingen
Classification: Uncertain significance. Last evaluated: 2022-04-01. Review status: criteria provided, single submitter. Criteria: CeGaT Center For Human Genetics Tuebingen Variant Classification Criteria Version 2. Collection method: clinical testing. Allele origin: germline. Affected: yes. Observed: 1 variant allele.

Fulgent Genetics
Classification: Uncertain significance for Medulloblastoma; Familial dysautonomia. Last evaluated: 2022-02-04. Review status: criteria provided, single submitter. Criteria: ACMG Guidelines, 2015. Collection method: clinical testing. Allele origin: unknown.

Labcorp Genetics (formerly Invitae), Labcorp
Classification: Uncertain significance. Last evaluated: 2021-12-23. Review status: criteria provided, single submitter. Criteria: Invitae Variant Classification Sherloc (09022015). Collection method: clinical testing. Allele origin: germline.
Comment: This sequence change replaces arginine, which is basic and polar, with glutamine, which is neutral and polar, at codon 696 of the ELP1 protein (p.Arg696Gln). This variant is present in population databases (rs137853022, gnomAD 0.07%), including at least one homozygous and/or hemizygous individual. This variant has not been reported in the literature in individuals affected with ELP1-related conditions. ClinVar contains an entry for this variant (Variation ID: 966606). Algorithms developed to predict the effect of missense changes on protein structure and function are either unavailable or do not agree on the potential impact of this missense change (SIFT: "Tolerated"; PolyPhen-2: "Probably Damaging"; Align-GVGD: "Class C0"). This variant disrupts the p.Arg696 amino acid residue in ELP1. Other variant(s) that disrupt this residue have been determined to be pathogenic (PMID: 11179008). This suggests that this residue is clinically significant, and that variants that disrupt this residue are likely to be disease-causing. In summary, the available evidence is currently insufficient to determine the role of this variant in disease. Therefore, it has been classified as a Variant of Uncertain Significance.

Ambry Genetics
Classification: Uncertain significance. Last evaluated: 2020-03-24. Review status: criteria provided, single submitter. Criteria: Ambry Variant Classification Scheme 2023. Collection method: clinical testing. Allele origin: germline.
Comment: The p.R696Q variant (also known as c.2087G>A), located in coding exon 18 of the IKBKAP gene, results from a G to A substitution at nucleotide position 2087. The arginine at codon 696 is replaced by glutamine, an amino acid with highly similar properties. This amino acid position is highly conserved in available vertebrate species. In addition, the in silico prediction for this alteration is inconclusive. Since supporting evidence is limited at this time, the clinical significance of this alteration remains unclear.

Natera, Inc.
Classification: Uncertain significance for Familial dysautonomia. Last evaluated: 2020-05-13. Review status: no assertion criteria provided. Collection method: clinical testing. Allele origin: germline. Not counted in ClinVar's aggregate classification.

Literature cited by the submitters: PubMed 11179008 (cited by Labcorp Genetics (formerly Invitae), Labcorp).

NM_003640.5(ELP1):c.2087G>A (p.Arg696Gln)

Gene: ELP1 (elongator acetyltransferase complex subunit 1; minus strand). Cytogenetic location: 9q31.3.
Variant type: single nucleotide variant.
Coding change: c.2087G>A on transcript NM_003640.5 (MANE Select); coding-DNA position 2087, G replaced by A.
Protein change: p.Arg696Gln; replaces arginine 696 with glutamine.
Molecular consequence: missense variant.
Genome position (GRCh38, 1-based): chr9:108,900,303, C>T on the plus strand (G>A on the coding strand, the complement: ELP1 is on the minus strand). VCF-style: chr9-108900303-C-T. GRCh37 (hg19) VCF-style: chr9-111662583-C-T.
Other names: c.1745G>A, p.Arg582Gln (NM_001318360.2); c.1040G>A, p.Arg347Gln (NM_001330749.2); short protein forms R582Q, R347Q, R696Q.
Identifiers: ClinVar variation 966606 (VCV000966606.37), dbSNP rs137853022, ClinGen allele CA5174778.